The following is an entry in ClinVar:

NM_001370259.2(MEN1):c.609C>G (p.Asn203Lys)

Gene: MEN1 (menin 1; minus strand). Cytogenetic location: 11q13.1.
Variant type: single nucleotide variant.
Coding change: c.609C>G on transcript NM_001370259.2 (MANE Select); coding-DNA position 609, C replaced by G.
Protein change: p.Asn203Lys; replaces asparagine 203 with lysine.
Molecular consequence: missense variant. On other transcripts: intron variant (2).
Genome position (GRCh38, 1-based): chr11:64,807,936, G>C on the plus strand (C>G on the coding strand, the complement: MEN1 is on the minus strand). VCF-style: chr11-64807936-G-C. GRCh37 (hg19) VCF-style: chr11-64575408-G-C.
Other names: c.624C>G, p.Asn208Lys (NM_000244.4, NM_130800.3, NM_130801.3 and 3 more transcripts); c.609C>G, p.Asn203Lys (NM_001370251.2, NM_001370260.2, NM_001370261.2 and 1 more transcripts); c.549+60C>G (NM_001370263.2, NM_001370262.2); short protein forms N203K, N208K.
Identifiers: ClinVar variation 1512886 (VCV001512886.6), dbSNP rs749844029, ClinGen allele CA381185433.
Genomic context (GRCh38, chr11:64,807,936, plus strand): 5'-GGGAGGGAACAATACCCGCTCAGCCACACCGGCATTGACTGTCTGGCCCCTGCGGTCCTC[G>C]TTGCCCTTGCCGTGCCAGGTGACCTCAGCTGTCTGCTCCCCATTGGGCCCAAACACTACC-3'
Protein context (NP_001357188.2, residues 193-213): TAEVTWHGKG[Asn203Lys]EDRRGQTVNA

ClinVar aggregate classification (germline): Uncertain significance (1 of 4 stars; one submission).

Conditions:
Multiple endocrine neoplasia, type 1 (MEN1). Also called: Endocrine adenomatosis multiple; MEN 1; MEA I; MEN I; WERMER SYNDROME. Identifiers: Orphanet 652, MedGen C0025267, MeSH D018761, MONDO:0007540, OMIM 131100.

Submission:

Labcorp Genetics (formerly Invitae), Labcorp
Classification: Uncertain significance for Multiple endocrine neoplasia, type 1. Last evaluated: 2022-08-25. Review status: criteria provided, single submitter. Criteria: Invitae Variant Classification Sherloc (09022015). Collection method: clinical testing. Allele origin: germline.
Comment: In summary, the available evidence is currently insufficient to determine the role of this variant in disease. Therefore, it has been classified as a Variant of Uncertain Significance. Advanced modeling of protein sequence and biophysical properties (such as structural, functional, and spatial information, amino acid conservation, physicochemical variation, residue mobility, and thermodynamic stability) performed at Invitae indicates that this missense variant is expected to disrupt MEN1 protein function. ClinVar contains an entry for this variant (Variation ID: 1512886). This variant has not been reported in the literature in individuals affected with MEN1-related conditions. This variant is not present in population databases (gnomAD no frequency). This sequence change replaces asparagine, which is neutral and polar, with lysine, which is basic and polar, at codon 203 of the MEN1 protein (p.Asn203Lys).